The following is an entry in ClinVar:

NM_032861.4(SERAC1):c.625G>T (p.Glu209Ter)

Gene: SERAC1 (serine active site containing 1; minus strand). Cytogenetic location: 6q25.3.
Variant type: single nucleotide variant.
Coding change: c.625G>T on transcript NM_032861.4 (MANE Select); coding-DNA position 625, G replaced by T.
Protein change: p.Glu209Ter; replaces glutamic acid 209 with a stop codon.
Molecular consequence: nonsense. On other transcripts: non-coding transcript variant (1).
Genome position (GRCh38, 1-based): chr6:158,143,169, C>A on the plus strand (G>T on the coding strand, the complement: SERAC1 is on the minus strand). VCF-style: chr6-158143169-C-A. GRCh37 (hg19) VCF-style: chr6-158564201-C-A.
Other names: short protein forms E209*.
Identifiers: ClinVar variation 1430677 (VCV001430677.6), dbSNP rs1383515185, ClinGen allele CA366263337.

ClinVar aggregate classification (germline): Pathogenic (1 of 4 stars; one submission).

Conditions:
3-methylglutaconic aciduria with deafness, encephalopathy, and Leigh-like syndrome (MEGDEL). Also called: SERAC1 Deficiency; MEGDEL syndrome; 3-METHYLGLUTACONIC ACIDURIA, TYPE VI. Identifiers: Orphanet 352328, MedGen C4040739, MONDO:0013875, OMIM 614739.

Submission:

Labcorp Genetics (formerly Invitae), Labcorp
Classification: Pathogenic for 3-methylglutaconic aciduria with deafness, encephalopathy, and Leigh-like syndrome. Last evaluated: 2022-12-06. Review status: criteria provided, single submitter. Criteria: Invitae Variant Classification Sherloc (09022015). Collection method: clinical testing. Allele origin: germline.
Comment: This sequence change creates a premature translational stop signal (p.Glu209*) in the SERAC1 gene. It is expected to result in an absent or disrupted protein product. Loss-of-function variants in SERAC1 are known to be pathogenic (PMID: 22683713). This variant is not present in population databases (gnomAD no frequency). This variant has not been reported in the literature in individuals affected with SERAC1-related conditions. ClinVar contains an entry for this variant (Variation ID: 1430677). For these reasons, this variant has been classified as Pathogenic.

Literature cited by the submitters: PubMed 22683713.